The following is an entry in ClinVar:

ClinVar aggregate classification (germline): Uncertain significance. Review status: criteria provided, multiple submitters, no conflicts (2 of 4 stars). 3 submissions from 3 submitters: Uncertain significance (3). Last evaluated 2024-10-30.

Conditions:
Combined oxidative phosphorylation defect type 27. Also called: Combined oxidative phosphorylation deficiency 27. Identifiers: Orphanet 477774, MedGen C5567608, MONDO:0014728, OMIM 616672.
Inborn genetic diseases. Identifiers: MedGen C0950123, MeSH D030342.

Allele frequency attached by ClinVar (database versions not stated): gnomAD 0.00006; TOPMed 0.00006; gnomAD exomes 0.00010; ExAC 0.00023.
gnomAD v4.1: 64 of 1,552,002 alleles (0.0041%); highest among the groups gnomAD compares: East Asian, 0.044%; no homozygotes.

Submissions (3):

Ambry Genetics
Classification: Uncertain significance for Inborn genetic diseases. Last evaluated: 2024-10-30. Review status: criteria provided, single submitter. Criteria: Ambry Variant Classification Scheme 2023. Collection method: clinical testing. Allele origin: germline.

Labcorp Genetics (formerly Invitae), Labcorp
Classification: Uncertain significance for Combined oxidative phosphorylation defect type 27. Last evaluated: 2022-07-24. Review status: criteria provided, single submitter. Criteria: Invitae Variant Classification Sherloc (09022015). Collection method: clinical testing. Allele origin: germline.
Comment: This sequence change replaces arginine, which is basic and polar, with histidine, which is basic and polar, at codon 530 of the CARS2 protein (p.Arg530His). This variant is present in population databases (rs760818887, gnomAD 0.1%). This variant has not been reported in the literature in individuals affected with CARS2-related conditions. ClinVar contains an entry for this variant (Variation ID: 664151). Algorithms developed to predict the effect of missense changes on protein structure and function are either unavailable or do not agree on the potential impact of this missense change (SIFT: "Deleterious"; PolyPhen-2: "Probably Damaging"; Align-GVGD: "Class C0"). In summary, the available evidence is currently insufficient to determine the role of this variant in disease. Therefore, it has been classified as a Variant of Uncertain Significance.

GeneDx
Classification: Uncertain significance. Last evaluated: 2022-05-18. Review status: criteria provided, single submitter. Criteria: GeneDx Variant Classification Process June 2021. Collection method: clinical testing. Allele origin: germline. Affected: yes.
Comment: In silico analysis supports that this missense variant has a deleterious effect on protein structure/function; Has not been previously published as pathogenic or benign to our knowledge

NM_024537.4(CARS2):c.1589G>A (p.Arg530His)

Gene: CARS2 (cysteinyl-tRNA synthetase 2, mitochondrial; minus strand). Cytogenetic location: 13q34.
Variant type: single nucleotide variant.
Coding change: c.1589G>A on transcript NM_024537.4 (MANE Select); coding-DNA position 1589, G replaced by A.
Protein change: p.Arg530His; replaces arginine 530 with histidine.
Molecular consequence: missense variant. On other transcripts: non-coding transcript variant (2).
Genome position (GRCh38, 1-based): chr13:110,642,349, C>T on the plus strand (G>A on the coding strand, the complement: CARS2 is on the minus strand). VCF-style: chr13-110642349-C-T. GRCh37 (hg19) VCF-style: chr13-111294696-C-T.
Other names: c.803G>A, p.Arg268His (NM_001352252.2); short protein forms R268H, R530H.
Identifiers: ClinVar variation 664151 (VCV000664151.9), dbSNP rs760818887, ClinGen allele CA7051600.